The following is an entry in ClinVar:

NM_153704.6(TMEM67):c.517T>C (p.Cys173Arg)

Gene: TMEM67 (transmembrane protein 67; plus strand). Cytogenetic location: 8q22.1.
Variant type: single nucleotide variant.
Coding change: c.517T>C on transcript NM_153704.6 (MANE Select); coding-DNA position 517, T replaced by C.
Protein change: p.Cys173Arg; replaces cysteine 173 with arginine.
Molecular consequence: missense variant. On other transcripts: non-coding transcript variant (1).
Genome position (GRCh38, 1-based): chr8:93,765,416, T>C. VCF-style: chr8-93765416-T-C. GRCh37 (hg19) VCF-style: chr8-94777644-T-C.
Other names: c.274T>C, p.Cys92Arg (NM_001142301.1); short protein forms C92R, C173R.
Identifiers: ClinVar variation 219997 (VCV000219997.9), dbSNP rs138783896, ClinGen allele CA348322.

ClinVar aggregate classification (germline): Pathogenic/Likely pathogenic. Review status: criteria provided, multiple submitters, no conflicts (2 of 4 stars). 2 submissions from 2 submitters: Pathogenic (1); Likely pathogenic (1). Last evaluated 2023-06-06.

Conditions:
Meckel-Gruber syndrome. Also called: Dysencephalia splachnocystica; DYSENCEPHALIA SPLANCHNOCYSTICA; GRUBER SYNDROME. Identifiers: Orphanet 564, MedGen C0265215, MONDO:0018921.
Joubert syndrome. Also called: CEREBELLOPARENCHYMAL DISORDER IV; JOUBERT-BOLTSHAUSER SYNDROME; Familial aplasia of the vermis. Identifiers: Orphanet 475, MedGen C5979921, MONDO:0018772.
Nephronophthisis 11 (NPHP11). Identifiers: Orphanet 84081, MedGen C3150796, MONDO:0013302, OMIM 613550.

Allele frequency attached by ClinVar (database versions not stated): TOPMed below 0.00001; ExAC 0.00001; ESP Exome Variant Server 0.00008.

Submissions (2):

Labcorp Genetics (formerly Invitae), Labcorp
Classification: Pathogenic for Joubert syndrome; Meckel-Gruber syndrome. Last evaluated: 2023-06-06. Review status: criteria provided, single submitter. Criteria: Invitae Variant Classification Sherloc (09022015). Collection method: clinical testing. Allele origin: germline.
Comment: For these reasons, this variant has been classified as Pathogenic. Algorithms developed to predict the effect of sequence changes on RNA splicing suggest that this variant may create or strengthen a splice site. Advanced modeling of protein sequence and biophysical properties (such as structural, functional, and spatial information, amino acid conservation, physicochemical variation, residue mobility, and thermodynamic stability) performed at Invitae indicates that this missense variant is expected to disrupt TMEM67 protein function. ClinVar contains an entry for this variant (Variation ID: 219997). This missense change has been observed in individual(s) with Joubert syndrome (PMID: 30455918; Invitae). This variant is not present in population databases (gnomAD no frequency). This sequence change replaces cysteine, which is neutral and slightly polar, with arginine, which is basic and polar, at codon 173 of the TMEM67 protein (p.Cys173Arg).

Molecular Biology Laboratory, Fundació Puigvert
Classification: Likely pathogenic for Nephronophthisis 11. Last evaluated: 2020-02-01. Review status: criteria provided, single submitter. Criteria: ACMG Guidelines, 2015. Collection method: research. Allele origin: inherited. Affected: yes. Study: KidneyPanel_2020.

Literature cited by the submitters: PubMed 30455918 (cited by Labcorp Genetics (formerly Invitae), Labcorp); PubMed 33532864 (cited by Molecular Biology Laboratory, Fundació Puigvert).